The following is an entry in ClinVar:

NM_017780.4(CHD7):c.6292C>T (p.Arg2098Ter)

Gene: CHD7 (chromodomain helicase DNA binding protein 7; plus strand). Cytogenetic location: 8q12.2.
Variant type: single nucleotide variant.
Coding change: c.6292C>T on transcript NM_017780.4 (MANE Select); coding-DNA position 6292, C replaced by T.
Protein change: p.Arg2098Ter; replaces arginine 2098 with a stop codon.
Molecular consequence: nonsense. On other transcripts: intron variant (1).
Genome position (GRCh38, 1-based): chr8:60,853,017, C>T. VCF-style: chr8-60853017-C-T. GRCh37 (hg19) VCF-style: chr8-61765576-C-T.
Other names: c.1717-9212C>T (NM_001316690.1); short protein forms R2098*.
Identifiers: ClinVar variation 226115 (VCV000226115.16), dbSNP rs875989879, ClinGen allele CA10576249.
Genomic context (GRCh38, chr8:60,853,017, plus strand): 5'-CTTAAGCTCTGCCAGCCAAGCTTGGATCTGCCAGAGTGGTGGGAGTGTGGACGGCATGAC[C>T]GAGACTTGCTGGTTGGTGCTGCTAAACACGGGGTCAGTCGGACGGATTATCACATCCTCA-3'

ClinVar aggregate classification (germline): Pathogenic. Review status: criteria provided, multiple submitters, no conflicts (2 of 4 stars). 7 submissions from 7 submitters: Pathogenic (5). 2 of the submissions do not count toward it. Last evaluated 2024-11-19.

Conditions:
Inborn genetic diseases. Identifiers: MedGen C0950123, MeSH D030342.
CHARGE syndrome (CHARGE). Also called: Coloboma, heart anomaly, choanal atresia, retardation, genital and ear anomalies; CHARGE association; Hall-Hittner syndrome; CHARGE ASSOCIATION--COLOBOMA, HEART ANOMALY, CHOANAL ATRESIA, RETARDATION, GENITAL AND EAR ANOMALIES; Hittner Hirsch Kreh syndrome. Identifiers: Orphanet 138, MedGen C0265354, MONDO:0008965.

Submissions (7):

ARUP Laboratories, Molecular Genetics and Genomics, ARUP Laboratories
Classification: Pathogenic. Last evaluated: 2024-11-19. Review status: criteria provided, single submitter. Criteria: ARUP Molecular Germline Variant Investigation Process 2024. Collection method: clinical testing. Allele origin: germline.
Comment: The CHD7 c.6292C>T; p.Arg2098Ter variant (rs875989879, ClinVar Variation ID: 226115) is reported in the literature in multiple individuals affected with symptoms associated with CHARGE syndrome (Gennery 2008, Sun 2020, Biard 2021). In these cases, this variant was demonstrated to have arisen de novo in affected individuals. This variant induces an early termination codon and is predicted to result in a truncated protein or mRNA subject to nonsense-mediated decay. Loss-of-function variants further downstream have been reported in individuals with CHARGE syndrome (Aramaki 2006, Bartels 2010, Lalani 2006). Based on available information, the p.Arg2098Ter variant is considered to be pathogenic. References: Aramaki M et al. Phenotypic spectrum of CHARGE syndrome with CHD7 mutations. J Pediatr. 2006 Mar;148(3):410-4. PMID: 16615981. Bartels CF et al. Mutations in the CHD7 gene: the experience of a commercial laboratory. Genet Test Mol Biomarkers. 2010 Dec;14(6):881-91. PMID: 21158681. Biard JM et al. Antenatal diagnosis of CHARGE syndrome: Prenatal ultrasound findings and crucial role of fetal dysmorphic signs. About a series of 10 cases and review of literature. Eur J Med Genet. 2021 Apr;64(4):104189. PMID: 33662639. Gennery AR et al. Mutations in CHD7 in patients with CHARGE syndrome cause T-B + natural killer cell + severe combined immune deficiency and may cause Omenn-like syndrome. Clin Exp Immunol. 2008 Jul;153(1):75-80. PMID: 18505430 Lalani SR et al. Spectrum of CHD7 mutations in 110 individuals with CHARGE syndrome and genotype-phenotype correlation. Am J Hum Genet. 2006 Feb;78(2):303-14. PMID: 16400610. Sun Y et al. Phenotypic spectrum of typical CHARGE syndrome in a Chinese male neonate: a case report. Transl Pediatr. 2020 Apr;9(2):180-186. PMID: 32477919

GeneDx
Classification: Pathogenic. Last evaluated: 2024-08-09. Review status: criteria provided, single submitter. Criteria: GeneDx Variant Classification Process June 2021. Collection method: clinical testing. Allele origin: germline. Affected: yes.
Comment: Nonsense variant predicted to result in protein truncation or nonsense mediated decay in a gene for which loss of function is a known mechanism of disease; Not observed at significant frequency in large population cohorts (gnomAD); This variant is associated with the following publications: (PMID: 37243350, 25525159, 21158681, 22461308, 21554267, 18505430, 32477919, 33240318, 33662639, 36011280)

Laboratory for Molecular Medicine, Mass General Brigham Personalized Medicine
Classification: Pathogenic for CHD7-related CHARGE syndrome. Last evaluated: 2020-01-14. Review status: criteria provided, single submitter. Criteria: LMM Criteria. Collection method: clinical testing. Allele origin: germline. Inheritance: Autosomal dominant inheritance. Observed: 1 variant allele.
Comment: The p.Arg2098X variant in CHD7 has been previously reported de novo in 1 individual with CHARGE syndrome (Gennery 2008), and was absent from large population studies. This nonsense variant leads to a premature termination codon at position 2098, which is predicted to lead to a truncated or absent protein. Loss of function of the CHD7 gene is an established disease mechanism in autosomal dominant CHARGE syndrome. In summary, this variant meets criteria to be classified as pathogenic for autosomal dominant CHARGE syndrome. ACMG/AMP criteria applied: PVS1, PM2, PM6.

Center of Genomic medicine, Geneva, University Hospital of Geneva
Classification: Pathogenic for CHD7-related CHARGE syndrome. Last evaluated: 2016-03-29. Review status: criteria provided, single submitter. Criteria: ACMG Guidelines, 2015. Collection method: clinical testing. Allele origin: de novo. Affected: yes.

Ambry Genetics
Classification: Pathogenic for Inborn genetic diseases. Last evaluated: 2015-10-02. Review status: criteria provided, single submitter. Criteria: Ambry exome assertion method (8-5-2015). Collection method: clinical testing. Allele origin: germline. Affected: yes. Observed: 1 variant allele.

Clinical Genetics DNA and cytogenetics Diagnostics Lab, Erasmus MC, Erasmus Medical Center
Classification: Pathogenic. Review status: no assertion criteria provided. Collection method: clinical testing. Allele origin: germline. Affected: yes. Study: VKGL Data-share Consensus. Not counted in ClinVar's aggregate classification.

Joint Genome Diagnostic Labs from Nijmegen and Maastricht, Radboudumc and MUMC+
Classification: Pathogenic. Review status: no assertion criteria provided. Collection method: clinical testing. Allele origin: germline. Affected: yes. Study: VKGL Data-share Consensus. Not counted in ClinVar's aggregate classification.

Literature cited by the submitters: PubMed 18505430 (cited by Laboratory for Molecular Medicine, Mass General Brigham Personalized Medicine).